The following is an entry in ClinVar:

ClinVar aggregate classification (germline): Likely pathogenic (1 of 4 stars; one submission).

Submission:

Labcorp Genetics (formerly Invitae), Labcorp
Classification: Likely pathogenic. Last evaluated: 2025-08-01. Review status: criteria provided, single submitter. Criteria: Invitae Variant Classification Sherloc (09022015). Collection method: clinical testing. Allele origin: germline.
Comment: This sequence change affects a donor splice site in intron 5 of the LARS2 gene. It is expected to disrupt RNA splicing. Variants that disrupt the donor or acceptor splice site typically lead to a loss of protein function (PMID: 16199547), and loss-of-function variants in LARS2 are known to be pathogenic (PMID: 23541342, 30737337). This variant is not present in population databases (gnomAD no frequency). This variant has not been reported in the literature in individuals affected with LARS2-related conditions. Algorithms developed to predict the effect of sequence changes on RNA splicing suggest that this variant may disrupt the consensus splice site. In summary, the currently available evidence indicates that the variant is pathogenic, but additional data are needed to prove that conclusively. Therefore, this variant has been classified as Likely Pathogenic.

Literature cited by the submitters: PubMed 16199547; PubMed 23541342; PubMed 30737337.

NM_015340.4(LARS2):c.455+1G>C

Gene: LARS2 (leucyl-tRNA synthetase 2, mitochondrial; plus strand). Cytogenetic location: 3p21.31.
Variant type: single nucleotide variant.
Coding change: c.455+1G>C on transcript NM_015340.4 (MANE Select); the canonical splice donor site of the intron after coding-DNA position 455, G replaced by C.
Molecular consequence: splice donor variant.
Genome position (GRCh38, 1-based): chr3:45,417,574, G>C. VCF-style: chr3-45417574-G-C. GRCh37 (hg19) VCF-style: chr3-45459066-G-C.
Other names: c.455+1G>C (NM_001368263.1).
Identifiers: ClinVar variation 4773864 (VCV004773864.1).